The following is an entry in ClinVar:

NM_000702.4(ATP1A2):c.91G>A (p.Asp31Asn)

Gene: ATP1A2 (ATPase Na+/K+ transporting subunit alpha 2; plus strand). Cytogenetic location: 1q23.2.
Variant type: single nucleotide variant.
Coding change: c.91G>A on transcript NM_000702.4 (MANE Select); coding-DNA position 91, G replaced by A.
Protein change: p.Asp31Asn; replaces aspartic acid 31 with asparagine.
Molecular consequence: missense variant.
Genome position (GRCh38, 1-based): chr1:160,120,984, G>A. VCF-style: chr1-160120984-G-A. GRCh37 (hg19) VCF-style: chr1-160090774-G-A.
Other names: short protein forms D31N.
Identifiers: ClinVar variation 2896455 (VCV002896455.3), dbSNP rs779868172, ClinGen allele CA1194084.

ClinVar aggregate classification (germline): Uncertain significance (1 of 4 stars; one submission).

Conditions:
Familial hemiplegic migraine. Identifiers: MedGen C0338484, MONDO:0000700.

Allele frequency attached by ClinVar (database versions not stated): gnomAD exomes 0.00002; ExAC 0.00003.
gnomAD v4.1: 23 of 1,613,894 alleles (0.0014%); highest among the groups gnomAD compares: South Asian, 0.025%; no homozygotes.

Submission:

Labcorp Genetics (formerly Invitae), Labcorp
Classification: Uncertain significance for Familial hemiplegic migraine. Last evaluated: 2023-02-14. Review status: criteria provided, single submitter. Criteria: Invitae Variant Classification Sherloc (09022015). Collection method: clinical testing. Allele origin: germline.
Comment: In summary, the available evidence is currently insufficient to determine the role of this variant in disease. Therefore, it has been classified as a Variant of Uncertain Significance. Advanced modeling of protein sequence and biophysical properties (such as structural, functional, and spatial information, amino acid conservation, physicochemical variation, residue mobility, and thermodynamic stability) has been performed at Invitae for this missense variant, however the output from this modeling did not meet the statistical confidence thresholds required to predict the impact of this variant on ATP1A2 protein function. This variant has not been reported in the literature in individuals affected with ATP1A2-related conditions. This variant is present in population databases (rs779868172, gnomAD 0.03%). This sequence change replaces aspartic acid, which is acidic and polar, with asparagine, which is neutral and polar, at codon 31 of the ATP1A2 protein (p.Asp31Asn).